The following is an entry in ClinVar:

NM_000219.6(KCNE1):c.67C>A (p.Gln23Lys)

Gene: KCNE1 (potassium voltage-gated channel subfamily E regulatory subunit 1; minus strand). Cytogenetic location: 21q22.12.
Variant type: single nucleotide variant.
Coding change: c.67C>A on transcript NM_000219.6 (MANE Select); coding-DNA position 67, C replaced by A.
Protein change: p.Gln23Lys; replaces glutamine 23 with lysine.
Molecular consequence: missense variant.
Genome position (GRCh38, 1-based): chr21:34,449,568, G>T on the plus strand (C>A on the coding strand, the complement: KCNE1 is on the minus strand). VCF-style: chr21-34449568-G-T. GRCh37 (hg19) VCF-style: chr21-35821866-G-T.
Other names: c.67C>A, p.Gln23Lys (NM_001127668.4, NM_001127669.4, NM_001127670.4 and 4 more transcripts); short protein forms Q23K.
Identifiers: ClinVar variation 3373955 (VCV003373955.2).

Conditions:
Long QT syndrome 5 (LQT5). Identifiers: Orphanet 101016, Orphanet 768, MedGen C1867904, MONDO:0013372, OMIM 613695.

Submission:

Roden Lab, Vanderbilt University Medical Center
No classification provided (evidence only). Condition: Long QT syndrome 5. Review status: no classification provided. Collection method: in vitro. Allele origin: not applicable. Functional consequence: Effect on ion channel function.
ClinVar note: "not provided" was previously submitted as the classification for the variant. However, the classification appeared to be based only on an observation of functional data so it was converted to no classification on 2025-07-30.